The following is an entry in ClinVar:

NM_017636.4(TRPM4):c.1297C>G (p.Leu433Val)

Gene: TRPM4 (transient receptor potential cation channel subfamily M member 4; plus strand). Cytogenetic location: 19q13.33.
Variant type: single nucleotide variant.
Coding change: c.1297C>G on transcript NM_017636.4 (MANE Select); coding-DNA position 1297, C replaced by G.
Protein change: p.Leu433Val; replaces leucine 433 with valine.
Molecular consequence: missense variant. On other transcripts: 5 prime UTR variant (1).
Genome position (GRCh38, 1-based): chr19:49,182,611, C>G. VCF-style: chr19-49182611-C-G. GRCh37 (hg19) VCF-style: chr19-49685868-C-G.
Other names: c.1297C>G, p.Leu433Val (NM_001195227.2); c.952C>G, p.Leu318Val (NM_001321281.2); c.-257C>G (NM_001321282.2); c.775C>G, p.Leu259Val (NM_001321283.2); c.235C>G, p.Leu79Val (NM_001321285.2); short protein forms L433V, L79V, L318V, L259V.
Identifiers: ClinVar variation 3462153 (VCV003462153.2).

ClinVar aggregate classification (germline): Uncertain significance. Review status: criteria provided, multiple submitters, no conflicts (2 of 4 stars). 2 submissions from 2 submitters: Uncertain significance (2). Last evaluated 2025-11-28.

Conditions:
Cardiovascular phenotype. Identifiers: MedGen CN230736.
Progressive familial heart block type IB (PFHB1B). Identifiers: Orphanet 871, MedGen C1970298, MONDO:0011474, OMIM 604559.

Submissions (2):

Labcorp Genetics (formerly Invitae), Labcorp
Classification: Uncertain significance for Progressive familial heart block type IB. Last evaluated: 2025-11-28. Review status: criteria provided, single submitter. Criteria: Invitae Variant Classification Sherloc (09022015). Collection method: clinical testing. Allele origin: germline.
Comment: This sequence change replaces leucine, which is neutral and non-polar, with valine, which is neutral and non-polar, at codon 433 of the TRPM4 protein (p.Leu433Val). This variant is not present in population databases (gnomAD no frequency). This variant has not been reported in the literature in individuals affected with TRPM4-related conditions. ClinVar contains an entry for this variant (Variation ID: 3462153). An algorithm developed to predict the effect of missense changes on protein structure and function (PolyPhen-2) suggests that this variant is likely to be disruptive. In summary, the available evidence is currently insufficient to determine the role of this variant in disease. Therefore, it has been classified as a Variant of Uncertain Significance.

Ambry Genetics
Classification: Uncertain significance for Cardiovascular phenotype. Last evaluated: 2024-10-21. Review status: criteria provided, single submitter. Criteria: Ambry Variant Classification Scheme 2023. Collection method: clinical testing. Allele origin: germline.
Comment: The p.L433V variant (also known as c.1297C>G), located in coding exon 11 of the TRPM4 gene, results from a C to G substitution at nucleotide position 1297. The leucine at codon 433 is replaced by valine, an amino acid with highly similar properties. This amino acid position is conserved. In addition, the in silico prediction for this alteration is inconclusive. Based on the available evidence, the clinical significance of this variant remains unclear.